The following is an entry in ClinVar:

ClinVar aggregate classification (germline): Benign. Review status: criteria provided, multiple submitters, no conflicts (2 of 4 stars). 6 submissions from 6 submitters: Benign (6). Last evaluated 2026-02-04.

Conditions:
Emery-Dreifuss muscular dystrophy 5, autosomal dominant (EDMD5). Also called: EMERY-DREIFUSS MUSCULAR DYSTROPHY 5. Identifiers: Orphanet 261, MedGen C2751805, MONDO:0013072, OMIM 612999.

Allele frequency attached by ClinVar (database versions not stated): gnomAD exomes 0.32111 and 0.32898; gnomAD 0.33500 and 0.33587; TOPMed 0.33621; ESP Exome Variant Server 0.33984; ExAC 0.35104; 1000 Genomes Project 30x 0.36384; 1000 Genomes Project 0.36581.
gnomAD v4.1: 520,559 of 1,612,700 alleles (32%); highest among the groups gnomAD compares: East Asian, 54%; 85,557 homozygotes.

Submissions (6):

Labcorp Genetics (formerly Invitae), Labcorp
Classification: Benign for Emery-Dreifuss muscular dystrophy 5, autosomal dominant. Last evaluated: 2026-02-04. Review status: criteria provided, single submitter. Criteria: Invitae Variant Classification Sherloc (09022015). Collection method: clinical testing. Allele origin: germline.

Genome-Nilou Lab
Classification: Benign for Emery-Dreifuss muscular dystrophy 5, autosomal dominant. Last evaluated: 2021-07-15. Review status: criteria provided, single submitter. Criteria: ACMG Guidelines, 2015. Collection method: clinical testing. Allele origin: germline. Affected: no.

GeneDx
Classification: Benign. Last evaluated: 2018-07-09. Review status: criteria provided, single submitter. Criteria: GeneDx Variant Classification Process June 2021. Collection method: clinical testing. Allele origin: germline. Affected: yes.

Illumina Laboratory Services, Illumina
Classification: Benign for Emery-Dreifuss muscular dystrophy 5, autosomal dominant. Last evaluated: 2018-01-13. Review status: criteria provided, single submitter. Criteria: ICSL Variant Classification Criteria 13 December 2019. Collection method: clinical testing. Allele origin: germline.
Comment: This variant was observed in the ICSL laboratory as part of a predisposition screen in an ostensibly healthy population. It had not been previously curated by ICSL or reported in the Human Gene Mutation Database (HGMD: prior to June 1st, 2018), and was therefore a candidate for classification through an automated scoring system. Utilizing variant allele frequency, disease prevalence and penetrance estimates, and inheritance mode, an automated score was calculated to assess if this variant is too frequent to cause the disease. Based on the score and internal cut-off values, a variant classified as benign is not then subjected to further curation. The score for this variant resulted in a classification of benign for this disease.

Genetic Services Laboratory, University of Chicago
Classification: Benign for AllHighlyPenetrant. Last evaluated: 2013-08-15. Review status: criteria provided, single submitter. Criteria: ACMG Guidelines, 2007. Collection method: clinical testing. Allele origin: germline. Inheritance: Autosomal dominant inheritance.

Breakthrough Genomics
Classification: Benign. Review status: criteria provided, single submitter. Criteria: ACMG Guidelines, 2015. Collection method: not provided. Allele origin: germline. Inheritance: Autosomal dominant inheritance. Affected: yes.

NM_182914.3(SYNE2):c.17202C>A (p.Leu5734=)

Gene: SYNE2 (spectrin repeat containing nuclear envelope protein 2; plus strand). Cytogenetic location: 14q23.2.
Variant type: single nucleotide variant.
Coding change: c.17202C>A on transcript NM_182914.3 (MANE Select); coding-DNA position 17202, C replaced by A.
Protein change: p.Leu5734=; no amino-acid change (leucine 5734 retained).
Molecular consequence: synonymous variant.
Genome position (GRCh38, 1-based): chr14:64,170,429, C>A. VCF-style: chr14-64170429-C-A. GRCh37 (hg19) VCF-style: chr14-64637147-C-A.
Other names: c.17202C>A, p.Leu5734= (NM_015180.6).
Identifiers: ClinVar variation 130485 (VCV000130485.22), dbSNP rs7161192, ClinGen allele CA155557.